The following is an entry in ClinVar:

NM_182476.3(COQ6):c.985C>T (p.Arg329Cys)

Genes: COQ6 (coenzyme Q6, monooxygenase; plus strand), ENTPD5 (ectonucleoside triphosphate diphosphohydrolase 5; minus strand). Cytogenetic location: 14q24.3.
Variant type: single nucleotide variant.
Coding change: c.985C>T on transcript NM_182476.3 (MANE Select); coding-DNA position 985, C replaced by T.
Protein change: p.Arg329Cys; replaces arginine 329 with cysteine.
Molecular consequence: missense variant. On other transcripts: 3 prime UTR variant (1), intron variant (5).
Genome position (GRCh38, 1-based): chr14:73,961,266, C>T. VCF-style: chr14-73961266-C-T. GRCh37 (hg19) VCF-style: chr14-74427969-C-T.
Other names: c.445C>T, p.Arg149Cys (NM_001425264.1, NM_001425265.1); c.910C>T, p.Arg304Cys (NM_182480.3); c.*267G>A (NM_001321984.2); c.1201-5679G>A (NM_001382258.1); c.1201-5438G>A (NM_001382262.1); c.1201-1713G>A (NM_001382260.1, NM_001382259.1, NM_001330189.2); c.985C>T, p.Arg329Cys (NM_001425255.1); c.877C>T, p.Arg293Cys (NM_001425256.1); and 5 more; short protein forms R329C, R304C.
Identifiers: ClinVar variation 1347591 (VCV001347591.6), dbSNP rs1367485991, ClinGen allele CA390377300.

ClinVar aggregate classification (germline): Uncertain significance (1 of 4 stars; one submission).

Allele frequency attached by ClinVar (database versions not stated): gnomAD exomes 0.00002 and 0.00001.
gnomAD v4.1: 15 of 1,614,146 alleles (0.00093%); highest among the groups gnomAD compares: Admixed American, 0.017%; no homozygotes.

Submission:

Labcorp Genetics (formerly Invitae), Labcorp
Classification: Uncertain significance. Last evaluated: 2022-07-29. Review status: criteria provided, single submitter. Criteria: Invitae Variant Classification Sherloc (09022015). Collection method: clinical testing. Allele origin: germline.
Comment: This sequence change replaces arginine, which is basic and polar, with cysteine, which is neutral and slightly polar, at codon 329 of the COQ6 protein (p.Arg329Cys). This variant is present in population databases (no rsID available, gnomAD 0.02%). This variant has not been reported in the literature in individuals affected with COQ6-related conditions. ClinVar contains an entry for this variant (Variation ID: 1347591). Algorithms developed to predict the effect of missense changes on protein structure and function are either unavailable or do not agree on the potential impact of this missense change (SIFT: "Tolerated"; PolyPhen-2: "Probably Damaging"; Align-GVGD: "Class C15"). In summary, the available evidence is currently insufficient to determine the role of this variant in disease. Therefore, it has been classified as a Variant of Uncertain Significance.